The following is an entry in ClinVar:

NM_001131016.2(CIZ1):c.35_36insGTT (p.Gln12_Gln13insLeu)

Gene: CIZ1 (CDKN1A interacting zinc finger protein 1; minus strand). Cytogenetic location: 9q34.11.
Variant type: Insertion.
Coding change: c.35_36insGTT on transcript NM_001131016.2 (MANE Select); coding-DNA positions 35 to 36, GTT inserted.
Protein change: p.Gln12_Gln13insLeu.
Molecular consequence: inframe insertion. On other transcripts: 5 prime UTR variant (1).
Genome position: GRCh38 VCF-style: chr9-128190822-T-TAAC. GRCh37 (hg19) VCF-style: chr9-130953101-T-TAAC.
Other names: c.35_36insGTT, p.Gln12_Gln13insLeu (NM_001131015.2, NM_001131017.2, NM_001131018.2 and 1 more transcripts); c.125_126insGTT, p.Gln42_Gln43insLeu (NM_001257975.2); c.-153_-152insGTT (NM_001257976.2).
Identifiers: ClinVar variation 1010334 (VCV001010334.8), dbSNP rs571494393, ClinGen allele CA5257694.
Genomic context (GRCh38, chr9:128,190,822, plus strand): 5'-CTGCTGCAATTGCTGCTGCTGGAGCTGCTGCTGCTGTAACTGCTGGAGCTGCTGCTGCTG[T>TAAC]TGCTGGAGCTGCTGCTGCTGCTGCTGGCTGAACATGGTGGCTAGGGGCAGAAAGCAGAGT-3'

ClinVar aggregate classification (germline): Uncertain significance (1 of 4 stars; one submission).

Conditions:
Dystonic disorder. Also called: Dystonia. Identifiers: MedGen C0013421, MONDO:0003441, HP:0001332.

Allele frequency attached by ClinVar (database versions not stated): gnomAD 0.00001 and 0.00003; gnomAD exomes 0.00002 and 0.00004; ExAC 0.00012; 1000 Genomes Project 0.00060.

Submission:

Labcorp Genetics (formerly Invitae), Labcorp
Classification: Uncertain significance for Dystonic disorder. Last evaluated: 2025-04-10. Review status: criteria provided, single submitter. Criteria: Invitae Variant Classification Sherloc (09022015). Collection method: clinical testing. Allele origin: germline.
Comment: This variant, c.35_36insGTT, results in the insertion of 1 amino acid(s) of the CIZ1 protein (p.Gln12_Gln13insLeu), but otherwise preserves the integrity of the reading frame. The frequency data for this variant in the population databases is considered unreliable, as metrics indicate poor data quality at this position in the gnomAD database. This variant has not been reported in the literature in individuals affected with CIZ1-related conditions. ClinVar contains an entry for this variant (Variation ID: 1010334). Experimental studies and prediction algorithms are not available or were not evaluated, and the functional significance of this variant is currently unknown. In summary, the available evidence is currently insufficient to determine the role of this variant in disease. Therefore, it has been classified as a Variant of Uncertain Significance.